The following is an entry in ClinVar:

ClinVar aggregate classification (germline): Uncertain significance (1 of 4 stars; one submission).

Conditions:
Autosomal recessive severe congenital neutropenia due to CSF3R deficiency. Also called: Neutropenia, severe congenital, 7, autosomal recessive. Identifiers: Orphanet 420702, MedGen C4310764, MONDO:0014865, OMIM 617014.

Submission:

Labcorp Genetics (formerly Invitae), Labcorp
Classification: Uncertain significance for Autosomal recessive severe congenital neutropenia due to CSF3R deficiency. Last evaluated: 2023-12-11. Review status: criteria provided, single submitter. Criteria: Invitae Variant Classification Sherloc (09022015). Collection method: clinical testing. Allele origin: unknown.
Comment: This variant results in a copy number gain of the genomic region encompassing exon(s) 10-17 of the CSF3R gene. This region includes the termination codon of the gene. This copy number gain extends beyond the assayed region for this gene and therefore may encompass additional genes. As the precise location of this event is unknown, it may be in tandem or it may be located elsewhere in the genome. This variant has not been reported in the literature in individuals affected with CSF3R-related conditions. In summary, the available evidence is currently insufficient to determine the role of this variant in disease. Therefore, it has been classified as a Variant of Uncertain Significance.

NC_000001.10:g.(?_36931958)_(36937267_?)dup

Gene: CSF3R (colony stimulating factor 3 receptor; minus strand). Cytogenetic location: 1p34.3.
Variant type: Duplication.
Identifiers: ClinVar variation 3247848 (VCV003247848.1).